The following is an entry in ClinVar:

NM_000284.4(PDHA1):c.705_706del (p.Arg235fs)

Gene: PDHA1 (pyruvate dehydrogenase E1 subunit alpha 1; plus strand). Cytogenetic location: Xp22.12.
Variant type: Microsatellite.
Coding change: c.705_706del on transcript NM_000284.4 (MANE Select); coding-DNA positions 705 to 706, 2 bases deleted (AG; older notation c.705_706delAG).
Protein change: p.Arg235fs; shifts the reading frame from arginine 235.
Molecular consequence: frameshift variant.
Genome position (GRCh38, 1-based): chrX:19,355,450-19,355,451, AG deleted; deleting any 2 consecutive bases within chrX:19,355,445-19,355,451 gives the same sequence; the c. name uses the placement nearest the transcript's 3' end. VCF-style (leftmost placement, unchanged base first): chrX-19355444-TGA-T. GRCh37 (hg19) VCF-style: chrX-19373562-TGA-T.
Other names: c.819_820del, p.Arg273fs (NM_001173454.2); c.726_727del, p.Arg242fs (NM_001173455.2); c.612_613del, p.Arg204fs (NM_001173456.2); short protein forms R204fs, R235fs, R242fs, R273fs.
Identifiers: ClinVar variation 4070362 (VCV004070362.1).

ClinVar aggregate classification (germline): Pathogenic (0 of 4 stars; one submission).

Conditions:
Pyruvate dehydrogenase E1-alpha deficiency (PDHAD). Also called: ATAXIA, INTERMITTENT, WITH PYRUVATE DEHYDROGENASE DEFICIENCY; ATAXIA WITH LACTIC ACIDOSIS I; ATAXIA, INTERMITTENT, WITH ABNORMAL PYRUVATE METABOLISM; Ataxia, intermittent, with pyruvate dehydrogenase, or decarboxylase, deficiency. Identifiers: Orphanet 79243, MedGen C1839413, MONDO:0010717, OMIM 312170.

Submission:

PDHA1 Study Group, University Children’s Hospital, Paracelsus Medical University
Classification: Pathogenic for Pyruvate dehydrogenase E1-alpha deficiency. Last evaluated: 2024-10-15. Review status: no assertion criteria provided. Collection method: research. Allele origin: germline. Affected: yes. Observed: 1 variant allele.
Comment: The NM_000284.3:c.705_706del (p.Arg235SerfsTer6) change is a frameshift variant in PDHA1 gene. This variant is predicted to result in nonsense-mediated decay (NMD). The variant has been reported in 1 published case (PMIDs: 35943828). Last literature search: July 12, 2024. This variant is absent or extremely rare in population-based cohorts in the Genome Aggregation Database (gnomAD). Individuals harboring this variant presented with clinical features compatible with PDHA1-related PDHc deficiency. In summary, this variant meets criteria to be classified as pathogenic (P) for PDHA1-related PDHc deficiency based on the ACMG/AMP criteria applied: PVS1, PM2 (last assessment October 15, 2024).

Literature cited by the submitters: PubMed 35943828; DOI 10.1093/brain/awaf430.